The following is an entry in ClinVar:

ClinVar aggregate classification (germline): Uncertain significance (1 of 4 stars; one submission).

Conditions:
T-cell immunodeficiency, congenital alopecia, and nail dystrophy. Also called: Congenital alopecia and nail dystrophy associated with severe functional T-cell immunodeficiency; Pignata Guarino syndrome. Identifiers: Orphanet 169095, MedGen C1866426, MONDO:0011132, OMIM 601705.

gnomAD v4.1: 1 of 1,613,608 alleles (0.000062%); highest among the groups gnomAD compares: Admixed American, 0.0017%; no homozygotes.

Submission:

Labcorp Genetics (formerly Invitae), Labcorp
Classification: Uncertain significance for T-cell immunodeficiency, congenital alopecia, and nail dystrophy. Last evaluated: 2022-08-27. Review status: criteria provided, single submitter. Criteria: Invitae Variant Classification Sherloc (09022015). Collection method: clinical testing. Allele origin: germline.
Comment: In summary, the available evidence is currently insufficient to determine the role of this variant in disease. Therefore, it has been classified as a Variant of Uncertain Significance. Algorithms developed to predict the effect of sequence changes on RNA splicing suggest that this variant may disrupt the consensus splice site. This variant has not been reported in the literature in individuals affected with FOXN1-related conditions. This variant is present in population databases (no rsID available, gnomAD 0.003%). This sequence change affects codon 42 of the FOXN1 mRNA. It is a 'silent' change, meaning that it does not change the encoded amino acid sequence of the FOXN1 protein.

NM_001369369.1(FOXN1):c.126G>A (p.Lys42=)

Gene: FOXN1 (forkhead box N1; plus strand). Cytogenetic location: 17q11.2.
Variant type: single nucleotide variant.
Coding change: c.126G>A on transcript NM_001369369.1 (MANE Select); coding-DNA position 126, G replaced by A.
Protein change: p.Lys42=; no amino-acid change (lysine 42 retained).
Molecular consequence: synonymous variant.
Genome position (GRCh38, 1-based): chr17:28,524,505, G>A. VCF-style: chr17-28524505-G-A. GRCh37 (hg19) VCF-style: chr17-26851523-G-A.
Other names: c.126G>A, p.Lys42= (NM_003593.3).
Identifiers: ClinVar variation 2027473 (VCV002027473.4), dbSNP rs1313537917, ClinGen allele CA499417283.
Genomic context (GRCh38, chr17:28,524,505, plus strand): 5'-CAGTCCCCAGGCCTGGTTCAGCCTCCACTCACAGGCTCGCTACTCTCTGTCTACCCAGAA[G>A]CATGCCGGCTTCAGCTGCTCGTCATTTGTGTCCGACGGCCCTCCAGAGAGGACACCCTCA-3'
Protein context (NP_001356298.1, residues 32-52): GLPGSPAPQS[Lys42=]HAGFSCSSFV